The following is an entry in ClinVar:

NM_000426.4(LAMA2):c.8357+19C>T

Genes: LAMA2 (laminin subunit alpha 2; plus strand), LOC126859784 (CDK7 strongly-dependent group 2 enhancer GRCh37_chr6:129822854-129824053; plus strand). Cytogenetic location: 6q22.33.
Variant type: single nucleotide variant.
Coding change: c.8357+19C>T on transcript NM_000426.4 (MANE Select); 19 bases into the intron after coding-DNA position 8357, C replaced by T.
Molecular consequence: intron variant.
Genome position (GRCh38, 1-based): chr6:129,502,790, C>T. VCF-style: chr6-129502790-C-T. GRCh37 (hg19) VCF-style: chr6-129823935-C-T.
Other names: c.8345+19C>T (NM_001079823.2).
Identifiers: ClinVar variation 388219 (VCV000388219.1), dbSNP rs1057523035, ClinGen allele CA16605024.
Genomic context (GRCh38, chr6:129,502,790, plus strand): 5'-TCACATTGCAATTGCATTTGATGACACCAAAGTTAAAAACCGGTATGTATCATCCTGAGA[C>T]ACTGGGAAAGAACCGATAAATGAAGAACTGAGTATTTGTGTTTAATCAAGTTGAATCTAC-3'

ClinVar aggregate classification (germline): Likely benign (1 of 4 stars; one submission).

Submission:

GeneDx
Classification: Likely benign. Last evaluated: 2016-08-10. Review status: criteria provided, single submitter. Criteria: GeneDx Variant Classification (06012015). Collection method: clinical testing. Allele origin: germline. Affected: yes.
Comment: This variant is considered likely benign or benign based on one or more of the following criteria: it is a conservative change, it occurs at a poorly conserved position in the protein, it is predicted to be benign by multiple in silico algorithms, and/or has population frequency not consistent with disease.